The following is an entry in ClinVar:

ClinVar aggregate classification (germline): Uncertain significance. Review status: criteria provided, multiple submitters, no conflicts (2 of 4 stars). 6 submissions from 6 submitters: Uncertain significance (5). 1 of the submissions does not count toward it. Last evaluated 2025-02-10.

Conditions:
Glycine encephalopathy. Also called: Non-ketotic hyperglycinemia; Nonketotic hyperglycinemia. Identifiers: Orphanet 407, MedGen C0751748, MONDO:0011612, HP:0008288.

Allele frequency attached by ClinVar (database versions not stated): TOPMed below 0.00001; ExAC 0.00002; gnomAD exomes 0.00002.
gnomAD v4.1: 26 of 1,567,720 alleles (0.0017%); highest among the groups gnomAD compares: Admixed American, 0.0067%; no homozygotes.

Submissions (6):

Women's Health and Genetics/Laboratory Corporation of America, LabCorp
Classification: Uncertain significance. Last evaluated: 2025-02-10. Review status: criteria provided, single submitter. Criteria: LabCorp Variant Classification Summary - May 2015. Collection method: clinical testing. Allele origin: germline.

Blueprint Genetics
Classification: Uncertain significance. Last evaluated: 2024-11-19. Review status: criteria provided, single submitter. Criteria: ACMG Guidelines, 2015. Collection method: clinical testing. Allele origin: germline.

GeneDx
Classification: Uncertain significance. Last evaluated: 2024-11-01. Review status: criteria provided, single submitter. Criteria: GeneDx Variant Classification Process June 2021. Collection method: clinical testing. Allele origin: germline.
Comment: Not observed at significant frequency in large population cohorts (gnomAD); In silico analysis supports that this variant does not alter splicing; Has not been previously published as pathogenic or benign to our knowledge

Labcorp Genetics (formerly Invitae), Labcorp
Classification: Uncertain significance for Glycine encephalopathy. Last evaluated: 2024-10-15. Review status: criteria provided, single submitter. Criteria: Invitae Variant Classification Sherloc (09022015). Collection method: clinical testing. Allele origin: germline.
Comment: This sequence change falls in intron 12 of the GLDC gene. It does not directly change the encoded amino acid sequence of the GLDC protein. It affects a nucleotide within the consensus splice site. This variant is present in population databases (rs764790596, gnomAD 0.004%). This variant has not been reported in the literature in individuals affected with GLDC-related conditions. ClinVar contains an entry for this variant (Variation ID: 1009815). Variants that disrupt the consensus splice site are a relatively common cause of aberrant splicing (PMID: 17576681, 9536098). Algorithms developed to predict the effect of sequence changes on RNA splicing suggest that this variant may disrupt the consensus splice site. In summary, the available evidence is currently insufficient to determine the role of this variant in disease. Therefore, it has been classified as a Variant of Uncertain Significance.

Department of Pathology and Laboratory Medicine, Sinai Health System
Classification: Uncertain significance for glycine encephalopathy. Last evaluated: 2021-07-30. Review status: criteria provided, single submitter. Criteria: ACMG Guidelines, 2015. Collection method: research. Allele origin: germline.

Natera, Inc.
Classification: Uncertain significance for Non-ketotic hyperglycinemia. Last evaluated: 2020-03-24. Review status: no assertion criteria provided. Collection method: clinical testing. Allele origin: germline. Not counted in ClinVar's aggregate classification.

Literature cited by the submitters: PubMed 17576681 (cited by Labcorp Genetics (formerly Invitae), Labcorp); PubMed 9536098 (cited by Labcorp Genetics (formerly Invitae), Labcorp).

NM_000170.3(GLDC):c.1580+5G>C

Gene: GLDC (glycine decarboxylase; minus strand). Cytogenetic location: 9p24.1.
Variant type: single nucleotide variant.
Coding change: c.1580+5G>C on transcript NM_000170.3 (MANE Select); 5 bases into the intron after coding-DNA position 1580, G replaced by C.
Molecular consequence: intron variant.
Genome position (GRCh38, 1-based): chr9:6,589,190, C>G on the plus strand (G>C on the coding strand, the complement: GLDC is on the minus strand). VCF-style: chr9-6589190-C-G. GRCh37 (hg19) VCF-style: chr9-6589190-C-G.
Identifiers: ClinVar variation 1009815 (VCV001009815.13), dbSNP rs764790596, ClinGen allele CA4980645.